The following is an entry in ClinVar:

NM_182961.4(SYNE1):c.3549G>T (p.Trp1183Cys)

Gene: SYNE1 (spectrin repeat containing nuclear envelope protein 1; minus strand). Cytogenetic location: 6q25.2.
Variant type: single nucleotide variant.
Coding change: c.3549G>T on transcript NM_182961.4 (MANE Select); coding-DNA position 3549, G replaced by T.
Protein change: p.Trp1183Cys; replaces tryptophan 1183 with cysteine.
Molecular consequence: missense variant.
Genome position (GRCh38, 1-based): chr6:152,447,578, C>A on the plus strand (G>T on the coding strand, the complement: SYNE1 is on the minus strand). VCF-style: chr6-152447578-C-A. GRCh37 (hg19) VCF-style: chr6-152768713-C-A.
Other names: c.3570G>T, p.Trp1190Cys (NM_033071.5); short protein forms W1183C, W1190C.
Identifiers: ClinVar variation 961969 (VCV000961969.9), dbSNP rs2098603484, ClinGen allele CA366148540.

ClinVar aggregate classification (germline): Uncertain significance (1 of 4 stars; one submission).

Conditions:
Autosomal recessive ataxia, Beauce type. Also called: Spinocerebellar ataxia, autosomal recessive 8; ATAXIA, RECESSIVE, OF BEAUCE; SYNE1-Related Autosomal Recessive Cerebellar Ataxia; SYNE1 Deficiency. Identifiers: Orphanet 88644, MedGen C1853116, MONDO:0012549, OMIM 610743.
Emery-Dreifuss muscular dystrophy 4, autosomal dominant (EDMD4). Also called: EMERY-DREIFUSS MUSCULAR DYSTROPHY 4 WITH VARIABLE FEATURES. Identifiers: Orphanet 261, MedGen C2751807, MONDO:0013071, OMIM 612998.

Submission:

Labcorp Genetics (formerly Invitae), Labcorp
Classification: Uncertain significance for Emery-Dreifuss muscular dystrophy 4, autosomal dominant; Autosomal recessive ataxia, Beauce type. Last evaluated: 2022-03-09. Review status: criteria provided, single submitter. Criteria: Invitae Variant Classification Sherloc (09022015). Collection method: clinical testing. Allele origin: germline.
Comment: This variant has not been reported in the literature in individuals affected with SYNE1-related conditions. In summary, the available evidence is currently insufficient to determine the role of this variant in disease. Therefore, it has been classified as a Variant of Uncertain Significance. Algorithms developed to predict the effect of missense changes on protein structure and function are either unavailable or do not agree on the potential impact of this missense change (SIFT: "Deleterious"; PolyPhen-2: "Probably Damaging"; Align-GVGD: "Class C0"). ClinVar contains an entry for this variant (Variation ID: 961969). This variant is not present in population databases (gnomAD no frequency). This sequence change replaces tryptophan, which is neutral and slightly polar, with cysteine, which is neutral and slightly polar, at codon 1190 of the SYNE1 protein (p.Trp1190Cys).